The following is an entry in ClinVar:

NM_004655.4(AXIN2):c.1159A>G (p.Ser387Gly)

Gene: AXIN2 (axin 2; minus strand). Cytogenetic location: 17q24.1.
Variant type: single nucleotide variant.
Coding change: c.1159A>G on transcript NM_004655.4 (MANE Select); coding-DNA position 1159, A replaced by G.
Protein change: p.Ser387Gly; replaces serine 387 with glycine.
Molecular consequence: missense variant.
Genome position (GRCh38, 1-based): chr17:65,538,244, T>C on the plus strand (A>G on the coding strand, the complement: AXIN2 is on the minus strand). VCF-style: chr17-65538244-T-C. GRCh37 (hg19) VCF-style: chr17-63534362-T-C.
Other names: c.1159A>G, p.Ser387Gly (NM_001363813.1); short protein forms S387G.
Identifiers: ClinVar variation 4867304 (VCV004867304.1).

ClinVar aggregate classification (germline): Uncertain significance (1 of 4 stars; one submission).

Conditions:
Hereditary cancer-predisposing syndrome. Also called: Neoplastic Syndromes, Hereditary; Tumor predisposition; Hereditary Cancer Syndrome; Hereditary neoplastic syndrome. Identifiers: Orphanet 140162, MedGen C0027672, MeSH D009386, MONDO:0015356.

Submission:

Ambry Genetics
Classification: Uncertain significance for Hereditary cancer-predisposing syndrome. Last evaluated: 2026-04-22. Review status: criteria provided, single submitter. Criteria: Ambry Variant Classification Scheme 2023. Collection method: clinical testing. Allele origin: germline.
Comment: The p.S387G variant (also known as c.1159A>G), located in coding exon 4 of the AXIN2 gene, results from an A to G substitution at nucleotide position 1159. The serine at codon 387 is replaced by glycine, an amino acid with similar properties. This amino acid position is conserved. In addition, this alteration is predicted to be tolerated by in silico analysis. Based on the available evidence, the clinical significance of this variant remains unclear.